The following is an entry in ClinVar:

ClinVar aggregate classification (germline): Uncertain significance (1 of 4 stars; one submission).

Conditions:
Combined immunodeficiency due to ORAI1 deficiency. Also called: IMMUNODEFICIENCY 9. Identifiers: Orphanet 169090, Orphanet 317428, MedGen C2748568, MONDO:0013007, OMIM 612782.
Myopathy, tubular aggregate, 2 (TAM2). Identifiers: MedGen C4014557, MONDO:0014383, OMIM 615883.

Submission:

Labcorp Genetics (formerly Invitae), Labcorp
Classification: Uncertain significance for Myopathy, tubular aggregate, 2; Immune dysfunction with T-cell inactivation due to calcium entry defect 1. Last evaluated: 2019-03-21. Review status: criteria provided, single submitter. Criteria: Invitae Variant Classification Sherloc (09022015). Collection method: clinical testing. Allele origin: germline.
Comment: This variant, c.122_142dup, results in the insertion of 7 amino acid(s) to the ORAI1 protein (p.Pro47_Ser48insTrpAlaProProProProPro), but otherwise preserves the integrity of the reading frame. The frequency data for this variant in the population databases is considered unreliable, as metrics indicate insufficient coverage at this position in the ExAC database. This variant has not been reported in the literature in individuals with ORAI1-related conditions. Experimental studies and prediction algorithms are not available for this variant, and the functional significance of the affected amino acid(s) is currently unknown. In summary, the available evidence is currently insufficient to determine the role of this variant in disease. Therefore, it has been classified as a Variant of Uncertain Significance.

NM_032790.4(ORAI1):c.122_142dup (p.Pro47_Ser48insTrpAlaProProProProPro)

Gene: ORAI1 (ORAI calcium release-activated calcium modulator 1; plus strand). Cytogenetic location: 12q24.31.
Variant type: Duplication.
Coding change: c.122_142dup on transcript NM_032790.4 (MANE Select); coding-DNA positions 122 to 142, 21 bases duplicated.
Protein change: p.Pro47_Ser48insTrpAlaProProProProPro.
Identifiers: ClinVar variation 845333 (VCV000845333.1), dbSNP rs2089908763.